The following is an entry in ClinVar:

NM_014861.4(ATP2C2):c.2338G>T (p.Gly780Trp)

Genes: ATP2C2 (ATPase secretory pathway Ca2+ transporting 2; plus strand), ATP2C2-AS1 (ATP2C2 antisense RNA 1; minus strand). Cytogenetic location: 16q24.1.
Variant type: single nucleotide variant.
Coding change: c.2338G>T on transcript NM_014861.4 (MANE Select); coding-DNA position 2338, G replaced by T.
Protein change: p.Gly780Trp; replaces glycine 780 with tryptophan.
Molecular consequence: missense variant. On other transcripts: non-coding transcript variant (1).
Genome position (GRCh38, 1-based): chr16:84,460,658, G>T. VCF-style: chr16-84460658-G-T. GRCh37 (hg19) VCF-style: chr16-84494264-G-T.
Other names: c.2425G>T, p.Gly809Trp (NM_001286527.3); c.1885G>T, p.Gly629Trp (NM_001291454.2); c.2338G>T (NM_014861.3); short protein forms G629W, G780W, G809W.
Identifiers: ClinVar variation 2646923 (VCV002646923.25), dbSNP rs141229929, ClinGen allele CA8208311.

ClinVar aggregate classification (germline): Benign. Review status: criteria provided, single submitter (1 of 4 stars). 2 submissions from 2 submitters: Benign (1). 1 of the submissions does not count toward it. Last evaluated 2023-03-01.

Conditions:
ATP2C2-related disorder. Also called: ATP2C2-related condition.

Allele frequency attached by ClinVar (database versions not stated): 1000 Genomes Project 30x 0.00078; 1000 Genomes Project 0.00100; ESP Exome Variant Server 0.00167.
gnomAD v4.1: 2,369 of 1,614,198 alleles (0.15%); highest among the groups gnomAD compares: Non-Finnish European, 0.13%; 9 homozygotes.

Submissions (2):

CeGaT Center for Human Genetics Tuebingen
Classification: Benign. Last evaluated: 2023-03-01. Review status: criteria provided, single submitter. Criteria: CeGaT Center For Human Genetics Tuebingen Variant Classification Criteria Version 2. Collection method: clinical testing. Allele origin: germline. Affected: yes. Observed: 2 variant alleles.
Comment: ATP2C2: PP3, BS1, BS2

PreventionGenetics, part of Exact Sciences
Classification: Likely benign for ATP2C2-related condition. Last evaluated: 2019-05-13. Review status: no assertion criteria provided. Collection method: clinical testing. Allele origin: germline. Not counted in ClinVar's aggregate classification.
Comment: This variant is classified as likely benign based on ACMG/AMP sequence variant interpretation guidelines (Richards et al. 2015 PMID: 25741868, with internal and published modifications).